The following is an entry in ClinVar:

NM_001242896.3(DEPDC5):c.1625A>G (p.Gln542Arg)

Gene: DEPDC5 (DEP domain containing 5, GATOR1 subcomplex subunit; plus strand). Cytogenetic location: 22q12.3.
Variant type: single nucleotide variant.
Coding change: c.1625A>G on transcript NM_001242896.3 (MANE Select); coding-DNA position 1625, A replaced by G.
Protein change: p.Gln542Arg; replaces glutamine 542 with arginine.
Molecular consequence: missense variant. On other transcripts: non-coding transcript variant (5).
Genome position (GRCh38, 1-based): chr22:31,815,171, A>G. VCF-style: chr22-31815171-A-G. GRCh37 (hg19) VCF-style: chr22-32211157-A-G.
Other names: c.1625A>G, p.Gln542Arg (NM_001369903.1, NM_014662.6, NM_001007188.4 and 7 more transcripts); c.1541A>G, p.Gln514Arg (NM_001369901.1, NM_001369902.1); short protein forms Q514R, Q542R.
Identifiers: ClinVar variation 3637814 (VCV003637814.2).

ClinVar aggregate classification (germline): Uncertain significance (1 of 4 stars; one submission).

Conditions:
Familial focal epilepsy with variable foci (FPEVF). Identifiers: Orphanet 98820, MedGen C1858477, MONDO:0020310.

Submission:

Labcorp Genetics (formerly Invitae), Labcorp
Classification: Uncertain significance for Familial focal epilepsy with variable foci. Last evaluated: 2024-03-16. Review status: criteria provided, single submitter. Criteria: Invitae Variant Classification Sherloc (09022015). Collection method: clinical testing. Allele origin: germline.
Comment: This sequence change replaces glutamine, which is neutral and polar, with arginine, which is basic and polar, at codon 542 of the DEPDC5 protein (p.Gln542Arg). This variant is not present in population databases (gnomAD no frequency). This variant has not been reported in the literature in individuals affected with DEPDC5-related conditions. Experimental studies and prediction algorithms are not available or were not evaluated, and the functional significance of this variant is currently unknown. In summary, the available evidence is currently insufficient to determine the role of this variant in disease. Therefore, it has been classified as a Variant of Uncertain Significance.